The following is an entry in ClinVar:

NM_004863.4(SPTLC2):c.1627C>T (p.Arg543Trp)

Gene: SPTLC2 (serine palmitoyltransferase long chain base subunit 2; minus strand). Cytogenetic location: 14q24.3.
Variant type: single nucleotide variant.
Coding change: c.1627C>T on transcript NM_004863.4 (MANE Select); coding-DNA position 1627, C replaced by T.
Protein change: p.Arg543Trp; replaces arginine 543 with tryptophan.
Molecular consequence: missense variant.
Genome position (GRCh38, 1-based): chr14:77,512,346, G>A on the plus strand (C>T on the coding strand, the complement: SPTLC2 is on the minus strand). VCF-style: chr14-77512346-G-A. GRCh37 (hg19) VCF-style: chr14-77978689-G-A.
Other names: short protein forms R543W.
Identifiers: ClinVar variation 2910491 (VCV002910491.3), dbSNP rs2079336710, ClinGen allele CA390698953.

ClinVar aggregate classification (germline): Uncertain significance (1 of 4 stars; one submission).

Conditions:
Neuropathy, hereditary sensory and autonomic, type 1C. Also called: HSAN IC; HSN IC. Identifiers: Orphanet 36386, MedGen C3150896, MONDO:0013337, OMIM 613640.

Allele frequency attached by ClinVar (database versions not stated): gnomAD exomes below 0.00001; TOPMed 0.00001.
gnomAD v4.1: 3 of 1,614,216 alleles (0.00019%); highest among the groups gnomAD compares: South Asian, 0.0011%; no homozygotes.

Submission:

Labcorp Genetics (formerly Invitae), Labcorp
Classification: Uncertain significance for Neuropathy, hereditary sensory and autonomic, type 1C. Last evaluated: 2023-11-15. Review status: criteria provided, single submitter. Criteria: Invitae Variant Classification Sherloc (09022015). Collection method: clinical testing. Allele origin: germline.
Comment: This sequence change replaces arginine, which is basic and polar, with tryptophan, which is neutral and slightly polar, at codon 543 of the SPTLC2 protein (p.Arg543Trp). This variant is not present in population databases (gnomAD no frequency). This variant has not been reported in the literature in individuals affected with SPTLC2-related conditions. An algorithm developed to predict the effect of missense changes on protein structure and function (PolyPhen-2) suggests that this variant is likely to be disruptive. In summary, the available evidence is currently insufficient to determine the role of this variant in disease. Therefore, it has been classified as a Variant of Uncertain Significance.